The following is an entry in ClinVar:

ClinVar aggregate classification (germline): Pathogenic (0 of 4 stars; one submission).

Conditions:
Multiple gastrointestinal atresias. Also called: FAMILIAL INTESTINAL POLYATRESIA SYNDROME; Multiple intestinal atresia. Identifiers: Orphanet 2300, MedGen C0220744, MONDO:0009465.

Submission:

Pediatrie Multidisciplinaire, Assitance Publique des Hopitaux de Marseille
Classification: Pathogenic for Gastrointestinal defects and immunodeficiency syndrome 1. Last evaluated: 2016-12-05. Review status: no assertion criteria provided. Collection method: clinical testing. Allele origin: germline. Inheritance: Autosomal recessive inheritance. Affected: yes. Observed: 1 variant allele, 1 compound heterozygote. Study: Fondation Maladie Rare: High Throughput Sequencing and Rare Diseases septembre 2014.
Comment: These feature are highly evocative of GASTROINTESTINAL DEFECTS AND IMMUNODEFICIENCY SYNDROME linked to TTC7A deficiency.

Literature cited by the submitters: PubMed 29174094.

NM_001288951.1(TTC7A):c.[1616C>T];[2587G>A]

Variant type: CompoundHeterozygote.
Identifiers: ClinVar variation 440892 (VCV000440892.3).